The following is an entry in ClinVar:

ClinVar aggregate classification (germline): Uncertain significance (1 of 4 stars; one submission).

Conditions:
POGZ-related disorder. Also called: POGZ-related condition.

Allele frequency attached by ClinVar (database versions not stated): TOPMed below 0.00001.

Submission:

PreventionGenetics, part of Exact Sciences
Classification: Uncertain significance for POGZ-related condition. Last evaluated: 2023-04-28. Review status: criteria provided, single submitter. Criteria: ACMG Guidelines, 2015. Collection method: clinical testing. Allele origin: germline.
Comment: The POGZ c.1274C>T variant is predicted to result in the amino acid substitution p.Ser425Phe. To our knowledge, this variant has not been reported in the literature or in a large population database, indicating this variant is rare. At this time, the clinical significance of this variant is uncertain due to the absence of conclusive functional and genetic evidence.

NM_015100.4(POGZ):c.1274C>T (p.Ser425Phe)

Gene: POGZ (pogo transposable element derived with ZNF domain; minus strand). Cytogenetic location: 1q21.3.
Variant type: single nucleotide variant.
Coding change: c.1274C>T on transcript NM_015100.4 (MANE Select); coding-DNA position 1274, C replaced by T.
Protein change: p.Ser425Phe; replaces serine 425 with phenylalanine.
Molecular consequence: missense variant.
Genome position (GRCh38, 1-based): chr1:151,424,198, G>A on the plus strand (C>T on the coding strand, the complement: POGZ is on the minus strand). VCF-style: chr1-151424198-G-A. GRCh37 (hg19) VCF-style: chr1-151396674-G-A.
Other names: c.1247C>T, p.Ser416Phe (NM_001194937.2); c.1088C>T, p.Ser363Phe (NM_001194938.2); c.1295C>T, p.Ser432Phe (NM_001410860.1); c.989C>T, p.Ser330Phe (NM_145796.4); c.1115C>T, p.Ser372Phe (NM_207171.2); short protein forms S330F, S363F, S372F, S416F, S425F, S432F.
Identifiers: ClinVar variation 2632952 (VCV002632952.1), dbSNP rs1657406273, ClinGen allele CA341971857.